The following is an entry in ClinVar:

ClinVar aggregate classification (germline): Likely benign (1 of 4 stars; one submission).

Conditions:
IBA57-related disorder. Also called: IBA57-related condition.

Submission:

PreventionGenetics, part of Exact Sciences
Classification: Likely benign for IBA57-related condition. Last evaluated: 2026-01-15. Review status: criteria provided, single submitter. Criteria: ACMG Guidelines, 2015. Collection method: clinical testing. Allele origin: germline.
Comment: This variant is classified as likely benign based on ACMG/AMP sequence variant interpretation guidelines (Richards et al. 2015 PMID: 25741868, with internal and published modifications).

NM_001010867.4(IBA57):c.258G>A (p.Ala86=)

Gene: IBA57 (iron-sulfur cluster assembly factor IBA57; plus strand). Cytogenetic location: 1q42.13.
Variant type: single nucleotide variant.
Coding change: c.258G>A on transcript NM_001010867.4 (MANE Select); coding-DNA position 258, G replaced by A.
Protein change: p.Ala86=; no amino-acid change (alanine 86 retained).
Molecular consequence: synonymous variant.
Genome position (GRCh38, 1-based): chr1:228,166,074, G>A. VCF-style: chr1-228166074-G-A. GRCh37 (hg19) VCF-style: chr1-228353775-G-A.
Identifiers: ClinVar variation 4984350 (VCV004984350.1).